The following is an entry in ClinVar:

ClinVar aggregate classification (germline): Uncertain significance. Review status: criteria provided, multiple submitters, no conflicts (2 of 4 stars). 2 submissions from 2 submitters: Uncertain significance (2). Last evaluated 2024-02-19.

Conditions:
Mendelian susceptibility to mycobacterial diseases due to complete ISG15 deficiency. Also called: IMMUNODEFICIENCY 38, MYCOBACTERIOSIS, AUTOSOMAL RECESSIVE; ISG15 DEFICIENCY, AUTOSOMAL RECESSIVE; Immunodeficiency 38 with basal ganglia calcification; Immunodeficiency 38. Identifiers: Orphanet 319563, MedGen C4015293, MONDO:0014502, OMIM 616126.

Allele frequency attached by ClinVar (database versions not stated): gnomAD exomes below 0.00001 and 0.00001; ExAC 0.00001; gnomAD 0.00002 and 0.00003; TOPMed 0.00003.

Submissions (2):

Labcorp Genetics (formerly Invitae), Labcorp
Classification: Uncertain significance for Mendelian susceptibility to mycobacterial diseases due to complete ISG15 deficiency. Last evaluated: 2024-02-19. Review status: criteria provided, single submitter. Criteria: Invitae Variant Classification Sherloc (09022015). Collection method: clinical testing. Allele origin: germline.
Comment: This sequence change replaces glycine, which is neutral and non-polar, with serine, which is neutral and polar, at codon 91 of the ISG15 protein (p.Gly91Ser). This variant is present in population databases (rs767687872, gnomAD 0.003%). This variant has not been reported in the literature in individuals affected with ISG15-related conditions. ClinVar contains an entry for this variant (Variation ID: 658311). An algorithm developed to predict the effect of missense changes on protein structure and function (PolyPhen-2) suggests that this variant is likely to be disruptive. In summary, the available evidence is currently insufficient to determine the role of this variant in disease. Therefore, it has been classified as a Variant of Uncertain Significance.

Ambry Genetics
Classification: Uncertain significance. Last evaluated: 2023-04-26. Review status: criteria provided, single submitter. Criteria: Ambry Variant Classification Scheme 2023. Collection method: clinical testing. Allele origin: germline.

NM_005101.4(ISG15):c.271G>A (p.Gly91Ser)

Gene: ISG15 (ISG15 ubiquitin like modifier; plus strand). Cytogenetic location: 1p36.33.
Variant type: single nucleotide variant.
Coding change: c.271G>A on transcript NM_005101.4 (MANE Select); coding-DNA position 271, G replaced by A.
Protein change: p.Gly91Ser; replaces glycine 91 with serine.
Molecular consequence: missense variant.
Genome position (GRCh38, 1-based): chr1:1,014,251, G>A. VCF-style: chr1-1014251-G-A. GRCh37 (hg19) VCF-style: chr1-949631-G-A.
Other names: c.271G>A, p.Gly91Ser (LRG_1231t1); short protein forms G91S.
Identifiers: ClinVar variation 658311 (VCV000658311.8), dbSNP rs767687872, ClinGen allele CA507659.